The following is an entry in ClinVar:

NM_001191061.2(SLC25A22):c.412+5G>A

Gene: SLC25A22 (solute carrier family 25 member 22; minus strand). Cytogenetic location: 11p15.5.
Variant type: single nucleotide variant.
Coding change: c.412+5G>A on transcript NM_001191061.2 (MANE Select); 5 bases into the intron after coding-DNA position 412, G replaced by A.
Molecular consequence: intron variant.
Genome position (GRCh38, 1-based): chr11:792,865, C>T on the plus strand (G>A on the coding strand, the complement: SLC25A22 is on the minus strand). VCF-style: chr11-792865-C-T. GRCh37 (hg19) VCF-style: chr11-792865-C-T.
Other names: c.412+5G>A (NM_001191060.2, NM_024698.6).
Identifiers: ClinVar variation 2101668 (VCV002101668.4), dbSNP rs753740029, ClinGen allele CA5789218.

ClinVar aggregate classification (germline): Uncertain significance (1 of 4 stars; one submission).

Conditions:
Early-infantile DEE. Also called: Early infantile epileptic encephalopathy; Early infantile epileptic encephalopathy with suppression bursts; Ohtahara syndrome. Identifiers: Orphanet 1934, MedGen C0393706, MONDO:0800491.

Allele frequency attached by ClinVar (database versions not stated): ExAC 0.00001; gnomAD exomes 0.00001.

Submission:

Labcorp Genetics (formerly Invitae), Labcorp
Classification: Uncertain significance for Early-infantile DEE. Last evaluated: 2022-11-22. Review status: criteria provided, single submitter. Criteria: Invitae Variant Classification Sherloc (09022015). Collection method: clinical testing. Allele origin: germline.
Comment: In summary, the available evidence is currently insufficient to determine the role of this variant in disease. Therefore, it has been classified as a Variant of Uncertain Significance. Variants that disrupt the consensus splice site are a relatively common cause of aberrant splicing (PMID: 17576681, 9536098). Algorithms developed to predict the effect of sequence changes on RNA splicing suggest that this variant may disrupt the consensus splice site. This variant has not been reported in the literature in individuals affected with SLC25A22-related conditions. This variant is present in population databases (rs753740029, gnomAD 0.007%). This sequence change falls in intron 6 of the SLC25A22 gene. It does not directly change the encoded amino acid sequence of the SLC25A22 protein. It affects a nucleotide within the consensus splice site.

Literature cited by the submitters: PubMed 17576681; PubMed 9536098.